The following is an entry in ClinVar:

NM_016151.4(TAOK2):c.2122C>A (p.Leu708Met)

Gene: TAOK2 (TAO kinase 2; plus strand). Cytogenetic location: 16p11.2.
Variant type: single nucleotide variant.
Coding change: c.2122C>A on transcript NM_016151.4 (MANE Select); coding-DNA position 2122, C replaced by A.
Protein change: p.Leu708Met; replaces leucine 708 with methionine.
Molecular consequence: missense variant.
Genome position (GRCh38, 1-based): chr16:29,986,394, C>A. VCF-style: chr16-29986394-C-A. GRCh37 (hg19) VCF-style: chr16-29997715-C-A.
Other names: c.2122C>A, p.Leu708Met (NM_001252043.2, NM_004783.4); short protein forms L708M.
Identifiers: ClinVar variation 4732896 (VCV004732896.1).
Genomic context (GRCh38, chr16:29,986,394, plus strand): 5'-CGGGAGCTGGAGCTGCGGCAGCTCCAGGCCGTGCAGCGCACGCGGGCTGAGCTCACCCGC[C>A]TGCAGCACCAGACGGAGCTGGGCAACCAGCTGGAGTACAACAAGCGGCGTGAGCAAGAGT-3'
Protein context (NP_057235.2, residues 698-718): VQRTRAELTR[Leu708Met]QHQTELGNQL

ClinVar aggregate classification (germline): Uncertain significance (1 of 4 stars; one submission).

Submission:

Labcorp Genetics (formerly Invitae), Labcorp
Classification: Uncertain significance. Last evaluated: 2025-12-10. Review status: criteria provided, single submitter. Criteria: Invitae Variant Classification Sherloc (09022015). Collection method: clinical testing. Allele origin: germline.
Comment: This sequence change replaces leucine, which is neutral and non-polar, with methionine, which is neutral and non-polar, at codon 708 of the TAOK2 protein (p.Leu708Met). This variant is not present in population databases (gnomAD no frequency). This variant has not been reported in the literature in individuals affected with TAOK2-related conditions. An algorithm developed to predict the effect of missense changes on protein structure and function (PolyPhen-2) suggests that this variant is likely to be tolerated. In summary, the available evidence is currently insufficient to determine the role of this variant in disease. Therefore, it has been classified as a Variant of Uncertain Significance.